The following is an entry in ClinVar:

NM_001369369.1(FOXN1):c.1157G>A (p.Gly386Glu)

Gene: FOXN1 (forkhead box N1; plus strand). Cytogenetic location: 17q11.2.
Variant type: single nucleotide variant.
Coding change: c.1157G>A on transcript NM_001369369.1 (MANE Select); coding-DNA position 1157, G replaced by A.
Protein change: p.Gly386Glu; replaces glycine 386 with glutamic acid.
Molecular consequence: missense variant.
Genome position (GRCh38, 1-based): chr17:28,534,728, G>A. VCF-style: chr17-28534728-G-A. GRCh37 (hg19) VCF-style: chr17-26861746-G-A.
Other names: c.1157G>A, p.Gly386Glu (NM_003593.3); short protein forms G386E.
Identifiers: ClinVar variation 2957293 (VCV002957293.3), dbSNP rs2070009171, ClinGen allele CA398325315.
Genomic context (GRCh38, chr17:28,534,728, plus strand): 5'-GGAGGTCTCATGGTGTTCTTTCTCTCTTGGGCCTTTCAGAAGAGCTGGACAGCCTCATTG[G>A]AGACAAGAGAGAAAAGCTGGGCTCCCCACTCCTGGGCTGTCCGCCCCCTGGGCTGTCCGG-3'
Protein context (NP_001356298.1, residues 376-396): AKPEELDSLI[Gly386Glu]DKREKLGSPL

ClinVar aggregate classification (germline): Uncertain significance (1 of 4 stars; one submission).

Conditions:
T-cell immunodeficiency, congenital alopecia, and nail dystrophy. Also called: Congenital alopecia and nail dystrophy associated with severe functional T-cell immunodeficiency; Pignata Guarino syndrome. Identifiers: Orphanet 169095, MedGen C1866426, MONDO:0011132, OMIM 601705.

Allele frequency attached by ClinVar (database versions not stated): TOPMed 0.00001.

Submission:

Labcorp Genetics (formerly Invitae), Labcorp
Classification: Uncertain significance for T-cell immunodeficiency, congenital alopecia, and nail dystrophy. Last evaluated: 2023-11-17. Review status: criteria provided, single submitter. Criteria: Invitae Variant Classification Sherloc (09022015). Collection method: clinical testing. Allele origin: germline.
Comment: This sequence change replaces glycine, which is neutral and non-polar, with glutamic acid, which is acidic and polar, at codon 386 of the FOXN1 protein (p.Gly386Glu). This variant is not present in population databases (gnomAD no frequency). This variant has not been reported in the literature in individuals affected with FOXN1-related conditions. Advanced modeling of protein sequence and biophysical properties (such as structural, functional, and spatial information, amino acid conservation, physicochemical variation, residue mobility, and thermodynamic stability) has been performed at Invitae for this missense variant, however the output from this modeling did not meet the statistical confidence thresholds required to predict the impact of this variant on FOXN1 protein function. In summary, the available evidence is currently insufficient to determine the role of this variant in disease. Therefore, it has been classified as a Variant of Uncertain Significance.